The following is an entry in ClinVar:

NM_001130009.3(GEN1):c.1136_1157del (p.Leu378_Leu379insTer)

Gene: GEN1 (GEN1 structure-specific endonuclease; plus strand). Cytogenetic location: 2p24.2.
Variant type: Deletion.
Coding change: c.1136_1157del on transcript NM_001130009.3 (MANE Select); coding-DNA positions 1136 to 1157, 22 bases deleted (TGACCCATTATGACATGATAGA).
Protein change: p.Leu378_Leu379insTer.
Molecular consequence: nonsense.
Genome position (GRCh38, 1-based): chr2:17,774,335-17,774,356, TGACCCATTATGACATGATAGA deleted. VCF-style (leftmost placement, unchanged base first): chr2-17774334-TTGACCCATTATGACATGATAGA-T. GRCh37 (hg19) VCF-style: chr2-17955601-TTGACCCATTATGACATGATAGA-T.
Other names: c.1136_1157del, p.Leu378_Leu379insTer (NM_182625.5).
Identifiers: ClinVar variation 1014468 (VCV001014468.6), dbSNP rs1171294579, ClinGen allele CA425096989.

ClinVar aggregate classification (germline): Uncertain significance (1 of 4 stars; one submission).

Allele frequency attached by ClinVar (database versions not stated): gnomAD exomes 0.00001; gnomAD 0.00004 and 0.00005; TOPMed 0.00004.

Submission:

Labcorp Genetics (formerly Invitae), Labcorp
Classification: Uncertain significance. Last evaluated: 2025-10-03. Review status: criteria provided, single submitter. Criteria: Invitae Variant Classification Sherloc (09022015). Collection method: clinical testing. Allele origin: germline.
Comment: This sequence change creates a premature translational stop signal (p.Leu379*) in the GEN1 gene. It is expected to result in an absent or disrupted protein product. However, the current clinical and genetic evidence is not sufficient to establish whether loss-of-function variants in GEN1 cause disease. This variant is present in population databases (no rsID available, gnomAD 0.01%). This variant has not been reported in the literature in individuals affected with GEN1-related conditions. ClinVar contains an entry for this variant (Variation ID: 1014468). In summary, the available evidence is currently insufficient to determine the role of this variant in disease. Therefore, it has been classified as a Variant of Uncertain Significance.